The following is an entry in ClinVar:

ClinVar aggregate classification (germline): Uncertain significance (1 of 4 stars; one submission).

Submission:

GeneDx
Classification: Uncertain significance. Last evaluated: 2025-04-04. Review status: criteria provided, single submitter. Criteria: GeneDx Variant Classification Process June 2021. Collection method: clinical testing. Allele origin: germline. Affected: yes.
Comment: Not observed at significant frequency in large population cohorts (gnomAD); In silico analysis indicates that this missense variant does not alter protein structure/function; Has not been previously published as pathogenic or benign to our knowledge

NM_004239.4(TRIP11):c.3053C>T (p.Thr1018Met)

Gene: TRIP11 (thyroid hormone receptor interactor 11; minus strand). Cytogenetic location: 14q32.12.
Variant type: single nucleotide variant.
Coding change: c.3053C>T on transcript NM_004239.4 (MANE Select); coding-DNA position 3053, C replaced by T.
Protein change: p.Thr1018Met; replaces threonine 1018 with methionine.
Molecular consequence: missense variant.
Genome position (GRCh38, 1-based): chr14:92,004,923, G>A on the plus strand (C>T on the coding strand, the complement: TRIP11 is on the minus strand). VCF-style: chr14-92004923-G-A. GRCh37 (hg19) VCF-style: chr14-92471267-G-A.
Other names: c.3050C>T, p.Thr1017Met (NM_001321851.1); short protein forms T1017M, T1018M.
Identifiers: ClinVar variation 4278914 (VCV004278914.1).